The following is an entry in ClinVar:

ClinVar aggregate classification (germline): Uncertain significance (1 of 4 stars; one submission).

Conditions:
GM3 synthase deficiency (SPDRS). Also called: SALT AND PEPPER DEVELOPMENTAL REGRESSION SYNDROME; AMISH INFANTILE EPILEPSY SYNDROME; SALT AND PEPPER MENTAL RETARDATION SYNDROME. Identifiers: Orphanet 171714, Orphanet 370933, MedGen C1836824, MONDO:0018274, OMIM 609056.

Submission:

Labcorp Genetics (formerly Invitae), Labcorp
Classification: Uncertain significance for Salt and pepper developmental regression syndrome. Last evaluated: 2019-04-19. Review status: criteria provided, single submitter. Criteria: Invitae Variant Classification Sherloc (09022015). Collection method: clinical testing. Allele origin: germline.
Comment: This variant results in a copy number gain of the genomic region encompassing exon 1 of the ST3GAL5 gene. The 5' end of this event is unknown as it extends beyond the assayed region for this gene and therefore may encompass additional genes. The 3' boundary is likely confined to intron 1 of the ST3GAL5 gene, which includes the initiator codon. As the precise location of this event is unknown, it may be in tandem or it may be located elsewhere in the genome. This variant has not been reported in the literature in individuals with ST3GAL5-related conditions. In summary, the available evidence is currently insufficient to determine the role of this variant in disease. Therefore, it has been classified as a Variant of Uncertain Significance.

NC_000002.12:g.(?_85888804)_(85888925_?)dup

Gene: ST3GAL5 (ST3 beta-galactoside alpha-2,3-sialyltransferase 5; minus strand). Cytogenetic location: 2p11.2.
Variant type: Duplication.
Identifiers: ClinVar variation 832377 (VCV000832377.1).